The following is an entry in ClinVar:

NM_001113378.2(FANCI):c.2458G>A (p.Asp820Asn)

Gene: FANCI (FA complementation group I; plus strand). Cytogenetic location: 15q26.1.
Variant type: single nucleotide variant.
Coding change: c.2458G>A on transcript NM_001113378.2 (MANE Select); coding-DNA position 2458, G replaced by A.
Protein change: p.Asp820Asn; replaces aspartic acid 820 with asparagine.
Molecular consequence: missense variant. On other transcripts: intron variant (1).
Genome position (GRCh38, 1-based): chr15:89,294,916, G>A. VCF-style: chr15-89294916-G-A. GRCh37 (hg19) VCF-style: chr15-89838147-G-A.
Other names: c.2179G>A, p.Asp727Asn (NM_001376910.1); c.2458G>A, p.Asp820Asn (NM_001376911.1); c.2456+919G>A (NM_018193.3); short protein forms D727N, D820N.
Identifiers: ClinVar variation 1484240 (VCV001484240.8), dbSNP rs2151754385, ClinGen allele CA393750575.
Genomic context (GRCh38, chr15:89,294,916, plus strand): 5'-TATACCAATAGCAGTAAGGGAATCTTCCTTTTTCTTTCTCTCTCTCTGTCTCTCTCTAGG[G>A]ATAGTATCCAAAGCCACCAAGAAAGCCTTTCTGTTCTCAGGTCCAGCAATGAGTTTATGC-3'
Protein context (NP_001106849.1, residues 810-830): VSSLLTALFR[Asp820Asn]SIQSHQESLS

ClinVar aggregate classification (germline): Uncertain significance (1 of 4 stars; one submission).

Conditions:
Fanconi anemia (FA). Also called: Fanconi's anemia. Identifiers: Orphanet 84, MedGen C0015625, MeSH D005199, MONDO:0019391.

Submission:

Labcorp Genetics (formerly Invitae), Labcorp
Classification: Uncertain significance for Fanconi anemia. Last evaluated: 2021-02-19. Review status: criteria provided, single submitter. Criteria: Invitae Variant Classification Sherloc (09022015). Collection method: clinical testing. Allele origin: germline.
Comment: This sequence change replaces aspartic acid with asparagine at codon 820 of the FANCI protein (p.Asp820Asn). The aspartic acid residue is highly conserved and there is a small physicochemical difference between aspartic acid and asparagine. This variant is not present in population databases (ExAC no frequency). Algorithms developed to predict the effect of missense changes on protein structure and function are either unavailable or do not agree on the potential impact of this missense change (SIFT: "Deleterious"; PolyPhen-2: "Possibly Damaging"; Align-GVGD: "Class C0"). This variant has not been reported in the literature in individuals with FANCI-related conditions. In summary, the available evidence is currently insufficient to determine the role of this variant in disease. Therefore, it has been classified as a Variant of Uncertain Significance.